The following is an entry in ClinVar:

ClinVar aggregate classification (germline): Uncertain significance (1 of 4 stars; one submission).

Submission:

Mayo Clinic Laboratories, Mayo Clinic
Classification: Uncertain significance. Last evaluated: 2022-11-08. Review status: criteria provided, single submitter. Criteria: ACMG Guidelines, 2015. Collection method: clinical testing. Allele origin: germline. Observed: 1 variant allele.
Comment: PP2, PM2_supporting

NM_000088.4(COL1A1):c.1906C>T (p.Pro636Ser)

Gene: COL1A1 (collagen type I alpha 1 chain; minus strand). Cytogenetic location: 17q21.33.
Variant type: single nucleotide variant.
Coding change: c.1906C>T on transcript NM_000088.4 (MANE Select); coding-DNA position 1906, C replaced by T.
Protein change: p.Pro636Ser; replaces proline 636 with serine.
Molecular consequence: missense variant.
Genome position (GRCh38, 1-based): chr17:50,192,663, G>A on the plus strand (C>T on the coding strand, the complement: COL1A1 is on the minus strand). VCF-style: chr17-50192663-G-A. GRCh37 (hg19) VCF-style: chr17-48270024-G-A.
Other names: p.Pro636Ser; short protein forms P636S.
Identifiers: ClinVar variation 2683434 (VCV002683434.1), dbSNP rs2509206822, ClinGen allele CA400213756.